The following is an entry in ClinVar:

ClinVar aggregate classification (germline): Uncertain significance (1 of 4 stars; one submission).

Submission:

Labcorp Genetics (formerly Invitae), Labcorp
Classification: Uncertain significance. Last evaluated: 2025-03-23. Review status: criteria provided, single submitter. Criteria: Invitae Variant Classification Sherloc (09022015). Collection method: clinical testing. Allele origin: germline.
Comment: This sequence change replaces aspartic acid, which is acidic and polar, with glutamic acid, which is acidic and polar, at codon 934 of the ZSWIM6 protein (p.Asp934Glu). This variant is not present in population databases (gnomAD no frequency). This missense change has been observed in individual(s) with clinical features of ZSWIM6-related conditions (PMID: 33337535). ClinVar contains an entry for this variant (Variation ID: 2032026). Invitae Evidence Modeling of protein sequence and biophysical properties (such as structural, functional, and spatial information, amino acid conservation, physicochemical variation, residue mobility, and thermodynamic stability) indicates that this missense variant is not expected to disrupt ZSWIM6 protein function with a negative predictive value of 80%. In summary, the available evidence is currently insufficient to determine the role of this variant in disease. Therefore, it has been classified as a Variant of Uncertain Significance.

Literature cited by the submitters: PubMed 33337535.

NM_020928.2(ZSWIM6):c.2802C>A (p.Asp934Glu)

Gene: ZSWIM6 (zinc finger SWIM-type containing 6; plus strand). Cytogenetic location: 5q12.1.
Variant type: single nucleotide variant.
Coding change: c.2802C>A on transcript NM_020928.2 (MANE Select); coding-DNA position 2802, C replaced by A.
Protein change: p.Asp934Glu; replaces aspartic acid 934 with glutamic acid.
Molecular consequence: missense variant.
Genome position (GRCh38, 1-based): chr5:61,543,471, C>A. VCF-style: chr5-61543471-C-A. GRCh37 (hg19) VCF-style: chr5-60839298-C-A.
Other names: short protein forms D934E.
Identifiers: ClinVar variation 2032026 (VCV002032026.4), dbSNP rs1054922522, ClinGen allele CA359946190.
Genomic context (GRCh38, chr5:61,543,471, plus strand): 5'-GCAGCCTCCTCGTCAGTAATAGAGCCTGTTTGTGTTCCTTGCAGGGGTTTATGCCCTGGA[C>A]AGCATCATGCAGACCTGGTTTACACTCTTTACTCCCACCGAGGCCACAAGTATAGTTGCA-3'
Protein context (NP_065979.1, residues 924-944): CATEVGVYAL[Asp934Glu]SIMQTWFTLF